The following is an entry in ClinVar:

NM_016239.4(MYO15A):c.7973C>T (p.Pro2658Leu)

Gene: MYO15A (myosin XVA; plus strand). Cytogenetic location: 17p11.2.
Variant type: single nucleotide variant.
Coding change: c.7973C>T on transcript NM_016239.4 (MANE Select); coding-DNA position 7973, C replaced by T.
Protein change: p.Pro2658Leu; replaces proline 2658 with leucine.
Molecular consequence: missense variant.
Genome position (GRCh38, 1-based): chr17:18,153,781, C>T. VCF-style: chr17-18153781-C-T. GRCh37 (hg19) VCF-style: chr17-18057095-C-T.
Other names: short protein forms P2658L.
Identifiers: ClinVar variation 2136170 (VCV002136170.2), dbSNP rs776851047, ClinGen allele CA8424991.

ClinVar aggregate classification (germline): Uncertain significance (1 of 4 stars; one submission).

Allele frequency attached by ClinVar (database versions not stated): TOPMed below 0.00001; gnomAD exomes 0.00001; ExAC 0.00003.
gnomAD v4.1: 3 of 1,613,634 alleles (0.00019%); highest among the groups gnomAD compares: Admixed American, 0.005%; no homozygotes.

Submission:

GeneDx
Classification: Uncertain significance. Last evaluated: 2024-09-27. Review status: criteria provided, single submitter. Criteria: GeneDx Variant Classification Process June 2021. Collection method: clinical testing. Allele origin: germline. Affected: yes.
Comment: In silico analysis supports that this missense variant has a deleterious effect on protein structure/function; Has not been previously published as pathogenic or benign to our knowledge